The following is an entry in ClinVar:

NM_006984.5(CLDN10):c.431C>T (p.Thr144Met)

Gene: CLDN10 (claudin 10; plus strand). Cytogenetic location: 13q32.1.
Variant type: single nucleotide variant.
Coding change: c.431C>T on transcript NM_006984.5 (MANE Select); coding-DNA position 431, C replaced by T.
Protein change: p.Thr144Met; replaces threonine 144 with methionine.
Molecular consequence: missense variant.
Genome position (GRCh38, 1-based): chr13:95,560,430, C>T. VCF-style: chr13-95560430-C-T. GRCh37 (hg19) VCF-style: chr13-96212684-C-T.
Other names: c.368C>T, p.Thr123Met (NM_001160100.2); c.425C>T, p.Thr142Met (NM_182848.4); c.431C>T (NM_006984.4); short protein forms T123M, T142M, T144M.
Identifiers: ClinVar variation 694635 (VCV000694635.7), dbSNP rs374187735, ClinGen allele CA7020190.
Genomic context (GRCh38, chr13:95,560,430, plus strand): 5'-AATATTTGTTAGGGCTGTGCTCAATGACTGGATGTTCCCTATATGCAAACAAAATCACAA[C>T]GGAATTCTTTGATCCTCTCTTTGTTGAGCAAAAGTAAGTACTCTTCTCAGTCTGTTTCCA-3'
Protein context (NP_008915.1, residues 134-154): GCSLYANKIT[Thr144Met]EFFDPLFVEQ

ClinVar aggregate classification (germline): Uncertain significance. Review status: criteria provided, multiple submitters, no conflicts (2 of 4 stars). 2 submissions from 2 submitters: Uncertain significance (2). Last evaluated 2023-01-26.

Conditions:
Lower limb muscle weakness. Identifiers: MedGen C1836296, HP:0007340.
Hypokalemia. Identifiers: MedGen C0020621, HP:0002900.
Hypomagnesemia. Identifiers: MedGen C0151723, MONDO:0018100, HP:0002917.
Inborn genetic diseases. Identifiers: MedGen C0950123, MeSH D030342.

Allele frequency attached by ClinVar (database versions not stated): ExAC 0.00001; gnomAD 0.00001 and 0.00002; gnomAD exomes 0.00001; TOPMed 0.00001; ESP Exome Variant Server 0.00008.
gnomAD v4.1: 13 of 1,613,738 alleles (0.00081%); highest among the groups gnomAD compares: East Asian, 0.0022%; no homozygotes.

Submissions (2):

Ambry Genetics
Classification: Uncertain significance for Inborn genetic diseases. Last evaluated: 2023-01-26. Review status: criteria provided, single submitter. Criteria: Ambry Variant Classification Scheme 2023. Collection method: clinical testing. Allele origin: germline.

Diagnostics Services (NGS), CSIR - Centre For Cellular And Molecular Biology
Classification: Uncertain significance for Lower limb muscle weakness; Hypokalemia; Hypomagnesemia. Last evaluated: 2019-09-23. Review status: criteria provided, single submitter. Criteria: ACMG Guidelines, 2015. Collection method: clinical testing. Allele origin: unknown. Inheritance: Autosomal recessive inheritance. Affected: yes. Observed: 1 homozygote.
Comment: This variant in heterozygous state is present in publicly available databases like Exome Variant Server (EVS), Exome Aggregation Consortium (ExAC), Genome Aggregation Database (gnomAD) and dbSNP. The variant is not present in our in-house exome database. In-silico pathogenicity prediction programs like SIFT, Polyphen2, Mutation Taster2, CADD etc. predicted this variant as likely disease causing. The variant has been classified as VUS considering the clinical phenotype of the patient.